The following is an entry in ClinVar:

NM_000428.3(LTBP2):c.2789-1G>A

Gene: LTBP2 (latent transforming growth factor beta binding protein 2; minus strand). Cytogenetic location: 14q24.3.
Variant type: single nucleotide variant.
Coding change: c.2789-1G>A on transcript NM_000428.3 (MANE Select); the canonical splice acceptor site of the intron before coding-DNA position 2789, G replaced by A.
Molecular consequence: splice acceptor variant.
Genome position (GRCh38, 1-based): chr14:74,516,942, C>T on the plus strand (G>A on the coding strand, the complement: LTBP2 is on the minus strand). VCF-style: chr14-74516942-C-T. GRCh37 (hg19) VCF-style: chr14-74983645-C-T.
Identifiers: ClinVar variation 2786517 (VCV002786517.4), dbSNP rs2087144643, ClinGen allele CA390390858.

ClinVar aggregate classification (germline): Likely pathogenic. Review status: criteria provided, multiple submitters, no conflicts (2 of 4 stars). 2 submissions from 2 submitters: Likely pathogenic (2). Last evaluated 2025-01-04.

Allele frequency attached by ClinVar (database versions not stated): gnomAD exomes below 0.00001; TOPMed below 0.00001.
gnomAD v4.1: 2 of 1,551,382 alleles (0.00013%); highest among the groups gnomAD compares: Non-Finnish European, 0.00017%; no homozygotes.

Submissions (2):

Dasa
Classification: Likely pathogenic. Last evaluated: 2025-01-04. Review status: criteria provided, single submitter. Criteria: DASA Assertion Criteria. Collection method: clinical testing. Allele origin: germline.
Comment: NM_000428.3(LTBP2):c.2789-1G>A introduces a premature termination codon predicted to result in loss of normal protein function. Loss-of-function is an established mechanism of disease for this gene. The variant is present at low frequency in population datasets. Based on the available data, this variant is classified as likely pathogenic.

Labcorp Genetics (formerly Invitae), Labcorp
Classification: Likely pathogenic. Last evaluated: 2023-04-14. Review status: criteria provided, single submitter. Criteria: Invitae Variant Classification Sherloc (09022015). Collection method: clinical testing. Allele origin: germline.
Comment: This sequence change affects an acceptor splice site in intron 17 of the LTBP2 gene. It is expected to disrupt RNA splicing. Variants that disrupt the donor or acceptor splice site typically lead to a loss of protein function (PMID: 16199547), and loss-of-function variants in LTBP2 are known to be pathogenic (PMID: 19361779, 19656777, 22025892). This variant is not present in population databases (gnomAD no frequency). In summary, the currently available evidence indicates that the variant is pathogenic, but additional data are needed to prove that conclusively. Therefore, this variant has been classified as Likely Pathogenic. Algorithms developed to predict the effect of sequence changes on RNA splicing suggest that this variant may disrupt the consensus splice site. This variant has not been reported in the literature in individuals affected with LTBP2-related conditions.

Literature cited by the submitters: PubMed 16199547 (cited by Labcorp Genetics (formerly Invitae), Labcorp); PubMed 19361779 (cited by Labcorp Genetics (formerly Invitae), Labcorp); PubMed 19656777 (cited by Labcorp Genetics (formerly Invitae), Labcorp); PubMed 22025892 (cited by Labcorp Genetics (formerly Invitae), Labcorp).